The following is an entry in ClinVar:

ClinVar aggregate classification (germline): Pathogenic (1 of 4 stars; one submission).

Conditions:
Dihydropyrimidine dehydrogenase deficiency (DPYDD). Also called: DPD DEFICIENCY; DPYD DEFICIENCY; Hereditary Thymine-Uraciluria. Identifiers: Orphanet 1675, MedGen C1959620, MONDO:0010130, OMIM 274270.

Submission:

Victorian Clinical Genetics Services, Murdoch Childrens Research Institute
Classification: Pathogenic for Dihydropyrimidine dehydrogenase deficiency. Last evaluated: 2020-06-11. Review status: criteria provided, single submitter. Criteria: ACMG Guidelines, 2015. Collection method: clinical testing. Allele origin: germline. Inheritance: Autosomal recessive inheritance. Affected: no.
Comment: Based on the classification scheme VCGS_Germline_v1.1.1, this variant is classified as pathogenic. Following criteria are met: 0102 - Loss-of-function is a known mechanism of disease for this gene. (N) 0106 - This gene is known to be associated with autosomal recessive disease. This gene causes a clinically heterogenous autosomal recessive disorder showing wide variablity of clinical presentations, ranging from no symptoms to severe convulsive disorders with motor and mental retardation (PMID: 29152729). (N) 0112 - Variants in this gene are known to have reduced penetrance (OMIM). Individuals with homozygous NMD predicted variants may also be unaffected (PMID: 9254861). (N) 0201 - Variant is predicted to cause nonsense-mediated decay (NMD) and loss of protein (exon 21 of 23). (P) 0251 - Variant is heterozygous. (N) 0301 - Variant is absent from gnomAD. (P) 0701 - Comparable variants also predicted to result in NMD, have very strong previous evidence for pathogenicity (Decipher, ClinVar). (P) 0807 - Variant has not previously been reported in a clinical context. (N) 0905 - No segregation evidence has been identified for this variant. (N) 1007 - No published functional evidence has been identified for this variant. (N) 1208 - Inheritance information for this variant is not currently available. (N) Legend: (P) - Pathogenic, (N) - Neutral, (B) - Benign

Literature cited by the submitters: PubMed 9254861; PubMed 29152729.

NM_000110.4(DPYD):c.2650G>T (p.Glu884Ter)

Genes: DPYD (dihydropyrimidine dehydrogenase; minus strand), DPYD-AS1 (DPYD antisense RNA 1; plus strand). Cytogenetic location: 1p21.3.
Variant type: single nucleotide variant.
Coding change: c.2650G>T on transcript NM_000110.4 (MANE Select); coding-DNA position 2650, G replaced by T.
Protein change: p.Glu884Ter; replaces glutamic acid 884 with a stop codon.
Molecular consequence: nonsense.
Genome position (GRCh38, 1-based): chr1:97,098,605, C>A on the plus strand (G>T on the coding strand, the complement: DPYD is on the minus strand). VCF-style: chr1-97098605-C-A. GRCh37 (hg19) VCF-style: chr1-97564161-C-A.
Other names: short protein forms E884*.
Identifiers: ClinVar variation 1805301 (VCV001805301.1), dbSNP rs2524094344, ClinGen allele CA341374938.
Genomic context (GRCh38, chr1:97,098,605, plus strand): 5'-AAGCTACATTTTGTTCTTTCAGTCTAATCTTGTTTTCTGCTATGATTTTCTTGCGCTGTT[C>A]CAGATAAGGTCCAAAACTTGGCAGTTTCTAAAAGGAAAACACACAAATAAGGAAGCATGT-3'